The following is an entry in ClinVar:

NM_006096.4(NDRG1):c.943+5G>A

Gene: NDRG1 (N-myc downstream regulated 1; minus strand). Cytogenetic location: 8q24.22.
Variant type: single nucleotide variant.
Coding change: c.943+5G>A on transcript NM_006096.4 (MANE Select); 5 bases into the intron after coding-DNA position 943, G replaced by A.
Molecular consequence: intron variant.
Genome position (GRCh38, 1-based): chr8:133,242,018, C>T on the plus strand (G>A on the coding strand, the complement: NDRG1 is on the minus strand). VCF-style: chr8-133242018-C-T. GRCh37 (hg19) VCF-style: chr8-134254261-C-T.
Other names: c.745+5G>A (NM_001258432.2, NM_001374847.1); c.700+5G>A (NM_001258433.2); c.994+5G>A (NM_001374844.1); c.943+5G>A (NM_001135242.2, NM_001374845.1, NM_001374846.1).
Identifiers: ClinVar variation 1339167 (VCV001339167.7), dbSNP rs778982295, ClinGen allele CA4886480.

ClinVar aggregate classification (germline): Uncertain significance. Review status: criteria provided, multiple submitters, no conflicts (2 of 4 stars). 2 submissions from 2 submitters: Uncertain significance (2). Last evaluated 2022-01-03.

Conditions:
Charcot-Marie-Tooth disease type 4. Also called: Charcot-Marie-Tooth disease, type IV; Charcot-Marie-Tooth, Type 4. Identifiers: Orphanet 64749, MedGen C4082197, MONDO:0018995.
Charcot-Marie-Tooth disease type 4D. Also called: Charcot-Marie-Tooth Neuropathy Type 4D; CHARCOT-MARIE-TOOTH DISEASE, DEMYELINATING, TYPE 4D; CHARCOT-MARIE-TOOTH DISEASE, DEMYELINATING, AUTOSOMAL RECESSIVE, TYPE 4D; NEUROPATHY, HEREDITARY MOTOR AND SENSORY, LOM TYPE. Identifiers: Orphanet 99950, MedGen C1832334, MONDO:0011085, OMIM 601455.

Allele frequency attached by ClinVar (database versions not stated): ExAC 0.00001.
gnomAD v4.1: 4 of 1,614,224 alleles (0.00025%); highest among the groups gnomAD compares: Non-Finnish European, 0.00034%; no homozygotes.

Submissions (2):

Labcorp Genetics (formerly Invitae), Labcorp
Classification: Uncertain significance for Charcot-Marie-Tooth disease type 4. Last evaluated: 2022-01-03. Review status: criteria provided, single submitter. Criteria: Invitae Variant Classification Sherloc (09022015). Collection method: clinical testing. Allele origin: germline.
Comment: In summary, the available evidence is currently insufficient to determine the role of this variant in disease. Therefore, it has been classified as a Variant of Uncertain Significance. Variants that disrupt the consensus splice site are a relatively common cause of aberrant splicing (PMID: 17576681, 9536098). Algorithms developed to predict the effect of sequence changes on RNA splicing suggest that this variant may disrupt the consensus splice site. This variant has not been reported in the literature in individuals affected with NDRG1-related conditions. This variant is present in population databases (rs778982295, gnomAD 0.0009%). This sequence change falls in intron 15 of the NDRG1 gene. It does not directly change the encoded amino acid sequence of the NDRG1 protein. It affects a nucleotide within the consensus splice site.

Neuberg Centre For Genomic Medicine, NCGM
Classification: Uncertain significance for Charcot-Marie-Tooth disease type 4D. Review status: criteria provided, single submitter. Criteria: ACMG Guidelines, 2015. Collection method: clinical testing. Allele origin: germline. Affected: yes.
Comment: The splice region variant c.943+5G>A in NDRG1 (NM_006096.4) has not been reported previously as a pathogenic variant nor as a benign variant, to our knowledge. The c.943+5G>A variant is observed in 1/1,13,752 (0.0009%) alleles from individuals of European (Non-Finnish) background in gnomAD Exomes and is novel (not in any individuals) in 1000 Genomes. The c.943+5G>A variant is predicted to disrupt splicing by all splice site algorithms. The nucleotide c.943+5G>A in NDRG1 is predicted conserved by GERP++ and PhyloP across 100 vertebrates. For these reasons, this variant has been classified as Uncertain Significance.

Literature cited by the submitters: PubMed 17576681 (cited by Labcorp Genetics (formerly Invitae), Labcorp); PubMed 9536098 (cited by Labcorp Genetics (formerly Invitae), Labcorp).